The following is an entry in ClinVar:

NM_016507.4(CDK12):c.3275G>A (p.Gly1092Asp)

Gene: CDK12 (cyclin dependent kinase 12; plus strand). Cytogenetic location: 17q12.
Variant type: single nucleotide variant.
Coding change: c.3275G>A on transcript NM_016507.4 (MANE Select); coding-DNA position 3275, G replaced by A.
Protein change: p.Gly1092Asp; replaces glycine 1092 with aspartic acid.
Molecular consequence: missense variant.
Genome position (GRCh38, 1-based): chr17:39,524,853, G>A. VCF-style: chr17-39524853-G-A. GRCh37 (hg19) VCF-style: chr17-37681106-G-A.
Other names: c.3275G>A, p.Gly1092Asp (NM_015083.4); short protein forms G1092D.
Identifiers: ClinVar variation 3999260 (VCV003999260.1).
Genomic context (GRCh38, chr17:39,524,853, plus strand): 5'-CAGGGACAAGTACTGAGCCTGTGAAGAACAGCAGCCCAGCACCACCTCAGCCTGCTCCTG[G>A]CAAGGTGGAGTCTGGGGCTGGGGATGCAATAGGTCAGTGCCAGAATGGGGCCTTTGTGCT-3'
Protein context (NP_057591.2, residues 1082-1102): SSPAPPQPAP[Gly1092Asp]KVESGAGDAI

ClinVar aggregate classification (germline): Uncertain significance (1 of 4 stars; one submission).

Submission:

Ambry Genetics
Classification: Uncertain significance. Last evaluated: 2025-03-24. Review status: criteria provided, single submitter. Criteria: Ambry Variant Classification Scheme 2023. Collection method: clinical testing. Allele origin: germline.
Comment: The p.G1092D variant (also known as c.3275G>A), located in coding exon 12 of the CDK12 gene, results from a G to A substitution at nucleotide position 3275. The glycine at codon 1092 is replaced by aspartic acid, an amino acid with similar properties. This amino acid position is conserved. In addition, this alteration is predicted to be tolerated by in silico analysis. Based on the available evidence, the clinical significance of this variant remains unclear.